The following is an entry in ClinVar:

ClinVar aggregate classification (germline): Pathogenic (1 of 4 stars; one submission).

gnomAD v4.1: 1 of 1,613,752 alleles (0.000062%); highest among the groups gnomAD compares: Non-Finnish European, 0.000085%; no homozygotes.

Submission:

Labcorp Genetics (formerly Invitae), Labcorp
Classification: Pathogenic. Last evaluated: 2024-02-09. Review status: criteria provided, single submitter. Criteria: Invitae Variant Classification Sherloc (09022015). Collection method: clinical testing. Allele origin: germline.
Comment: This sequence change creates a premature translational stop signal (p.Gln606*) in the TG gene. It is expected to result in an absent or disrupted protein product. Loss-of-function variants in TG are known to be pathogenic (PMID: 19837936, 23164529). This variant is present in population databases (no rsID available, gnomAD 0.0009%). This variant has not been reported in the literature in individuals affected with TG-related conditions. For these reasons, this variant has been classified as Pathogenic.

Literature cited by the submitters: PubMed 19837936; PubMed 23164529.

NM_003235.5(TG):c.1816C>T (p.Gln606Ter)

Gene: TG (thyroglobulin; plus strand). Cytogenetic location: 8q24.22.
Variant type: single nucleotide variant.
Coding change: c.1816C>T on transcript NM_003235.5 (MANE Select); coding-DNA position 1816, C replaced by T.
Protein change: p.Gln606Ter; replaces glutamine 606 with a stop codon.
Molecular consequence: nonsense.
Genome position (GRCh38, 1-based): chr8:132,887,188, C>T. VCF-style: chr8-132887188-C-T. GRCh37 (hg19) VCF-style: chr8-133899433-C-T.
Other names: short protein forms Q606*.
Identifiers: ClinVar variation 3639872 (VCV003639872.2).
Genomic context (GRCh38, chr8:132,887,188, plus strand): 5'-TCTGTGCCAGAAGATGTGGCAAGAGATTTAGGTGATGTGATGGAAACGGTACTCAGCTCC[C>T]AGACCTGTGAGCAGACACCTGAAAGGCTATTTGTCCCATCATGCACGACAGAAGGAAGCT-3'